The following is an entry in ClinVar:

ClinVar aggregate classification (germline): Uncertain significance. Review status: criteria provided, multiple submitters, no conflicts (2 of 4 stars). 2 submissions from 2 submitters: Uncertain significance (2). Last evaluated 2026-06-09.

Conditions:
Hereditary cancer-predisposing syndrome. Also called: Hereditary Cancer Syndrome; Hereditary neoplastic syndrome; Neoplastic Syndromes, Hereditary; Tumor predisposition. Identifiers: Orphanet 140162, MedGen C0027672, MeSH D009386, MONDO:0015356.
Tietz syndrome (TADS). Also called: ALBINISM-DEAFNESS OF TIETZ; HYPOPIGMENTATION/DEAFNESS OF TIETZ; TIETZ ALBINISM-DEAFNESS SYNDROME. Identifiers: Orphanet 42665, MedGen C0391816, MONDO:0007077, OMIM 103500.
Waardenburg syndrome type 2A (WS2A). Also called: WAARDENBURG SYNDROME WITHOUT DYSTOPIA CANTHORUM. Identifiers: Orphanet 3440, MedGen C1860339, MONDO:0008671, OMIM 193510.
Melanoma, cutaneous malignant, susceptibility to, 8. Also called: Cutaneous malignant melanoma 8; MELANOMA AND RENAL CELL CARCINOMA, SUSCEPTIBILITY TO. Identifiers: Orphanet 293822, MedGen C3152204, MONDO:0013759, OMIM 614456.

gnomAD v4.1: 2 of 1,613,622 alleles (0.00012%); highest among the groups gnomAD compares: Non-Finnish European, 0.000085%; no homozygotes.

Submissions (2):

Ambry Genetics
Classification: Uncertain significance for Hereditary cancer-predisposing syndrome. Last evaluated: 2026-06-09. Review status: criteria provided, single submitter. Criteria: Ambry Variant Classification Scheme 2023. Collection method: clinical testing. Allele origin: germline.
Comment: The p.G167V variant (also known as c.500G>T), located in coding exon 5 of the MITF gene, results from a G to T substitution at nucleotide position 500. The glycine at codon 167 is replaced by valine, an amino acid with dissimilar properties. This amino acid position is conserved. In addition, this alteration is predicted to be tolerated by in silico analysis. Based on the available evidence, the clinical significance of this variant remains unclear.

Labcorp Genetics (formerly Invitae), Labcorp
Classification: Uncertain significance for Melanoma, cutaneous malignant, susceptibility to, 8; Waardenburg syndrome type 2A; Tietz syndrome. Last evaluated: 2024-08-05. Review status: criteria provided, single submitter. Criteria: Invitae Variant Classification Sherloc (09022015). Collection method: clinical testing. Allele origin: germline.
Comment: This sequence change replaces glycine, which is neutral and non-polar, with valine, which is neutral and non-polar, at codon 167 of the MITF protein (p.Gly167Val). This variant is not present in population databases (gnomAD no frequency). This variant has not been reported in the literature in individuals affected with MITF-related conditions. Advanced modeling of protein sequence and biophysical properties (such as structural, functional, and spatial information, amino acid conservation, physicochemical variation, residue mobility, and thermodynamic stability) performed at Invitae indicates that this missense variant is not expected to disrupt MITF protein function with a negative predictive value of 80%. In summary, the available evidence is currently insufficient to determine the role of this variant in disease. Therefore, it has been classified as a Variant of Uncertain Significance.

NM_001354604.2(MITF):c.821G>T (p.Gly274Val)

Gene: MITF (melanocyte inducing transcription factor; plus strand). Cytogenetic location: 3p13.
Variant type: single nucleotide variant.
Coding change: c.821G>T on transcript NM_001354604.2 (MANE Select); coding-DNA position 821, G replaced by T.
Protein change: p.Gly274Val; replaces glycine 274 with valine.
Molecular consequence: missense variant.
Genome position (GRCh38, 1-based): chr3:69,949,109, G>T. VCF-style: chr3-69949109-G-T. GRCh37 (hg19) VCF-style: chr3-69998260-G-T.
Other names: c.818G>T, p.Gly273Val (NM_001354605.2, NM_001354606.2, NM_006722.3); c.770G>T, p.Gly257Val (NM_001354607.2); c.665G>T, p.Gly222Val (NM_001354608.2, NM_001184967.2); c.500G>T, p.Gly167Val (NM_198158.3, NM_000248.4); c.821G>T, p.Gly274Val (NM_198159.3); c.773G>T, p.Gly258Val (NM_198177.3); c.332G>T, p.Gly111Val (NM_198178.3); short protein forms G111V, G167V, G222V, G257V, G258V, G273V, G274V.
Identifiers: ClinVar variation 3751988 (VCV003751988.3).